The following is an entry in ClinVar:

ClinVar aggregate classification (germline): Likely benign (1 of 4 stars; one submission).

Submission:

Center for Genomic Medicine, Rigshospitalet, Copenhagen University Hospital
Classification: Likely benign. Last evaluated: 2025-12-29. Review status: criteria provided, single submitter. Criteria: ACMG Guidelines, 2015. Collection method: clinical testing. Allele origin: germline.
Comment: Classification criteria: BP4, BP7

NM_000179.3(MSH6):c.457+48_457+49insTT

Gene: MSH6 (mutS homolog 6; plus strand). Cytogenetic location: 2p16.3.
Variant type: Insertion.
Coding change: c.457+48_457+49insTT on transcript NM_000179.3 (MANE Select); bases 48 to 49 of the intron after coding-DNA position 457, TT inserted.
Molecular consequence: intron variant.
Genome position: GRCh38 VCF-style: chr2-47791170-G-GTT. GRCh37 (hg19) VCF-style: chr2-48018309-G-GTT.
Other names: c.-280+48_-280+49insTT (NM_001406811.1, NM_001281493.2, NM_001406829.1 and 1 more transcripts); c.160+48_160+49insTT (NM_001406805.1, NM_001406797.1, NM_001406801.1 and 10 more transcripts); c.553+48_553+49insTT (NM_001406795.1, NM_001406802.1); c.463+42_463+43insTT (NM_001406813.1); c.-472+48_-472+49insTT (NM_001406807.1); c.-538+48_-538+49insTT (NM_001406814.1); c.457+48_457+49insTT (NM_001406808.1, NM_001406800.1, NM_001406798.1 and 5 more transcripts); c.-280+201_-280+202insTT (NM_001406812.1); and 6 more.
Identifiers: ClinVar variation 4539390 (VCV004539390.1).